The following is an entry in ClinVar:

NM_005477.3(HCN4):c.3599_3600inv (p.Pro1200Leu)

Gene: HCN4 (hyperpolarization activated cyclic nucleotide gated potassium channel 4; minus strand). Cytogenetic location: 15q24.1.
Variant type: Inversion.
Coding change: c.3599_3600inv on transcript NM_005477.3 (MANE Select).
Protein change: p.Pro1200Leu; replaces proline 1200 with leucine.
Molecular consequence: missense variant.
Genome position: GRCh38 VCF-style: chr15-73322493-TG-CA. GRCh37 (hg19) VCF-style: chr15-73614834-TG-CA.
Other names: short protein forms P1200L.
Identifiers: ClinVar variation 575303 (VCV000575303.5), ClinGen allele CA891844154.
Genomic context (GRCh38, chr15:73,322,493, plus strand): 5'-GAAGGAAGGGAGAGAAAAGAAGAAAGAAGAGGGAAGGAAGGGCCCAGCTCATAGATTGGA[TG>CA]GCAGTTTGGAGCGCACTGGCTCAGGCCTGGCCCCAGGTTCCCTCTGGGGTCCAGCAGTCA-3'
Protein context (NP_005468.1, residues 1190-1203): ARPEPVRSKL[Pro1200Leu]SNL

ClinVar aggregate classification (germline): Uncertain significance (1 of 4 stars; one submission).

Conditions:
Brugada syndrome 8 (BRGDA8). Identifiers: Orphanet 130, MedGen C2751083, MONDO:0013148, OMIM 613123.

Submission:

Labcorp Genetics (formerly Invitae), Labcorp
Classification: Uncertain significance for Brugada syndrome 8. Last evaluated: 2025-06-25. Review status: criteria provided, single submitter. Criteria: Invitae Variant Classification Sherloc (09022015). Collection method: clinical testing. Allele origin: germline.
Comment: This sequence change replaces proline, which is neutral and non-polar, with leucine, which is neutral and non-polar, at codon 1200 of the HCN4 protein (p.Pro1200Leu). This variant is present in population databases (no rsID available, gnomAD 0.006%). This variant has not been reported in the literature in individuals affected with HCN4-related conditions. ClinVar contains an entry for this variant (Variation ID: 575303). An algorithm developed to predict the effect of missense changes on protein structure and function (PolyPhen-2) suggests that this variant is likely to be disruptive. In summary, the available evidence is currently insufficient to determine the role of this variant in disease. Therefore, it has been classified as a Variant of Uncertain Significance.